The following is an entry in ClinVar:

ClinVar aggregate classification (germline): Benign. Review status: criteria provided, multiple submitters, no conflicts (2 of 4 stars). 8 submissions from 8 submitters: Benign (6). 2 of the submissions do not count toward it. Last evaluated 2026-02-04.

Conditions:
Congenital lactic acidosis, Saguenay-Lac-Saint-Jean type (MC4DN5). Also called: MITOCHONDRIAL COMPLEX IV DEFICIENCY, NUCLEAR TYPE 5; CYTOCHROME c OXIDASE DEFICIENCY, FRENCH CANADIAN TYPE; COX DEFICIENCY, FRENCH CANADIAN TYPE. Identifiers: Orphanet 70472, MedGen C1857355, MONDO:0009069, OMIM 220111.

Allele frequency attached by ClinVar (database versions not stated): gnomAD exomes 0.00211 and 0.00474; ExAC 0.00564; gnomAD 0.01765 and 0.01872; ESP Exome Variant Server 0.01884; TOPMed 0.01887; 1000 Genomes Project 0.02356; 1000 Genomes Project 30x 0.02436.
gnomAD v4.1: 5,847 of 1,612,766 alleles (0.36%); highest among the groups gnomAD compares: African/African-American, 6%; 162 homozygotes.

Submissions (8):

Labcorp Genetics (formerly Invitae), Labcorp
Classification: Benign. Last evaluated: 2026-02-04. Review status: criteria provided, single submitter. Criteria: Invitae Variant Classification Sherloc (09022015). Collection method: clinical testing. Allele origin: germline.

ARUP Laboratories, Molecular Genetics and Genomics, ARUP Laboratories
Classification: Benign for Congenital lactic acidosis, Saguenay-Lac-Saint-Jean type. Last evaluated: 2023-11-22. Review status: criteria provided, single submitter. Criteria: ARUP Molecular Germline Variant Investigation Process 2024. Collection method: clinical testing. Allele origin: germline.

Illumina Laboratory Services, Illumina
Classification: Benign for Congenital lactic acidosis, Saguenay-Lac-Saint-Jean type. Last evaluated: 2018-01-13. Review status: criteria provided, single submitter. Criteria: ICSL Variant Classification Criteria 13 December 2019. Collection method: clinical testing. Allele origin: germline.
Comment: This variant was observed in the ICSL laboratory as part of a predisposition screen in an ostensibly healthy population. It had not been previously curated by ICSL or reported in the Human Gene Mutation Database (HGMD: prior to June 1st, 2018), and was therefore a candidate for classification through an automated scoring system. Utilizing variant allele frequency, disease prevalence and penetrance estimates, and inheritance mode, an automated score was calculated to assess if this variant is too frequent to cause the disease. Based on the score and internal cut-off values, a variant classified as benign is not then subjected to further curation. The score for this variant resulted in a classification of benign for this disease.

Center for Pediatric Genomic Medicine, Children's Mercy Hospital and Clinics
Classification: Benign. Last evaluated: 2015-09-28. Review status: criteria provided, single submitter. Criteria: ACMG Guidelines, 2015. Collection method: clinical testing. Allele origin: germline.

GeneDx
Classification: Benign. Last evaluated: 2012-04-04. Review status: criteria provided, single submitter. Criteria: GeneDx Variant Classification (06012015). Collection method: clinical testing. Allele origin: germline. Affected: yes.
Comment: This variant is considered likely benign or benign based on one or more of the following criteria: it is a conservative change, it occurs at a poorly conserved position in the protein, it is predicted to be benign by multiple in silico algorithms, and/or has population frequency not consistent with disease.

Breakthrough Genomics
Classification: Benign. Review status: criteria provided, single submitter. Criteria: ACMG Guidelines, 2015. Collection method: not provided. Allele origin: germline. Inheritance: Autosomal recessive inheritance. Affected: yes.

Natera, Inc.
Classification: Benign for French-Canadian type Leigh syndrome. Last evaluated: 2020-09-16. Review status: no assertion criteria provided. Collection method: clinical testing. Allele origin: germline. Not counted in ClinVar's aggregate classification.

Mayo Clinic Laboratories, Mayo Clinic
Classification: Benign. Last evaluated: 2016-03-16. Review status: no assertion criteria provided. Collection method: clinical testing. Allele origin: unknown. Not counted in ClinVar's aggregate classification.

NM_133259.4(LRPPRC):c.1432A>G (p.Thr478Ala)

Gene: LRPPRC (leucine rich pentatricopeptide repeat containing; minus strand). Cytogenetic location: 2p21.
Variant type: single nucleotide variant.
Coding change: c.1432A>G on transcript NM_133259.4 (MANE Select); coding-DNA position 1432, A replaced by G.
Protein change: p.Thr478Ala; replaces threonine 478 with alanine.
Molecular consequence: missense variant.
Genome position (GRCh38, 1-based): chr2:43,963,644, T>C on the plus strand (A>G on the coding strand, the complement: LRPPRC is on the minus strand). VCF-style: chr2-43963644-T-C. GRCh37 (hg19) VCF-style: chr2-44190783-T-C.
Other names: p.T478A:ACA>GCA; short protein forms T478A.
Identifiers: ClinVar variation 138141 (VCV000138141.29), dbSNP rs35035668, ClinGen allele CA291968.
Genomic context (GRCh38, chr2:43,963,644, plus strand): 5'-TCACCTGCAAAATGGCTCGTGCTGAGTTTACACTATCAAAGCATGGAATCACATAATCTG[T>C]ATATGTTTCCTGATCAGGATGTACTCCCAATTCTTGCATTCCTTTGAGGATTTCAATTAT-3'
Protein context (NP_573566.2, residues 468-488): LGVHPDQETY[Thr478Ala]DYVIPCFDSV